The following is an entry in ClinVar:

NM_000448.3(RAG1):c.1875T>G (p.Phe625Leu)

Gene: RAG1 (recombination activating 1; plus strand). Cytogenetic location: 11p12.
Variant type: single nucleotide variant.
Coding change: c.1875T>G on transcript NM_000448.3 (MANE Select); coding-DNA position 1875, T replaced by G.
Protein change: p.Phe625Leu; replaces phenylalanine 625 with leucine.
Molecular consequence: missense variant.
Genome position (GRCh38, 1-based): chr11:36,575,179, T>G. VCF-style: chr11-36575179-T-G. GRCh37 (hg19) VCF-style: chr11-36596729-T-G.
Other names: p.Phe625Leu; c.1875T>G, p.Phe625Leu (NM_001377278.1, NM_001377280.1, NM_001377279.1 and 1 more transcripts); short protein forms F625L.
Identifiers: ClinVar variation 418447 (VCV000418447.8), dbSNP rs749669514, ClinGen allele CA16619316.

ClinVar aggregate classification (germline): Uncertain significance. Review status: criteria provided, multiple submitters, no conflicts (2 of 4 stars). 3 submissions from 3 submitters: Uncertain significance (3). Last evaluated 2025-12-18.

Conditions:
Severe combined immunodeficiency, autosomal recessive, T cell-negative, B cell-negative, NK cell-positive. Also called: SCID, T CELL-NEGATIVE, B CELL-NEGATIVE, NK CELL-POSITIVE; SCID, AR, T-cell negative, B-cell negative, NK cell-positive; Severe combined immunodeficiency due to complete RAG1/2 deficiency. Identifiers: Orphanet 331206, MedGen C1832322, MONDO:0011086, OMIM 601457.
Combined immunodeficiency with skin granulomas. Identifiers: Orphanet 157949, MedGen C2673536, MONDO:0009306, OMIM 233650.
Histiocytic medullary reticulosis. Also called: Omenn syndrome; SEVERE COMBINED IMMUNODEFICIENCY WITH HYPEREOSINOPHILIA. Identifiers: Orphanet 39041, MedGen C2700553, MONDO:0011338, OMIM 603554.

gnomAD v4.1: 4 of 1,614,186 alleles (0.00025%); highest among the groups gnomAD compares: Middle Eastern, 0.066%; no homozygotes.

Submissions (3):

Department of Molecular Genetics, Istishari Arab Hospital
Classification: Uncertain significance for Histiocytic medullary reticulosis. Last evaluated: 2025-12-18. Review status: criteria provided, single submitter. Criteria: ACMG Guidelines, 2015. Collection method: clinical testing. Allele origin: germline. Inheritance: Autosomal recessive inheritance. Affected: yes.
Comment: The RAG1 variant c.1875T>G, p.Phe625Leu creates a change in the amino acid from Phe to Leu at position 625. This variant is observed with very low frequency (<0.001) in the gnomAD v4.1.0 dataset and has not been previously described in the literature. It is classified as a variant of uncertain significance based on the recommendations of ACMG/AMP/ClinGen SVI guidelines.

Labcorp Genetics (formerly Invitae), Labcorp
Classification: Uncertain significance for Combined immunodeficiency with skin granulomas; Severe combined immunodeficiency, autosomal recessive, T cell-negative, B cell-negative, NK cell-positive. Last evaluated: 2024-03-28. Review status: criteria provided, single submitter. Criteria: Invitae Variant Classification Sherloc (09022015). Collection method: clinical testing. Allele origin: germline.
Comment: This sequence change replaces phenylalanine, which is neutral and non-polar, with leucine, which is neutral and non-polar, at codon 625 of the RAG1 protein (p.Phe625Leu). This variant is not present in population databases (gnomAD no frequency). This variant has not been reported in the literature in individuals affected with RAG1-related conditions. ClinVar contains an entry for this variant (Variation ID: 418447). Advanced modeling of protein sequence and biophysical properties (such as structural, functional, and spatial information, amino acid conservation, physicochemical variation, residue mobility, and thermodynamic stability) performed at Invitae indicates that this missense variant is not expected to disrupt RAG1 protein function with a negative predictive value of 80%. In summary, the available evidence is currently insufficient to determine the role of this variant in disease. Therefore, it has been classified as a Variant of Uncertain Significance.

GeneDx
Classification: Uncertain significance. Last evaluated: 2018-09-18. Review status: criteria provided, single submitter. Criteria: GeneDx Variant Classification (06012015). Collection method: clinical testing. Allele origin: germline. Affected: yes.
Comment: The F625L variant in the RAG1 gene has not been reported previously as a pathogenic variant, nor as a benign variant, to our knowledge. The F625L variant was not observed in approximately 6500 individuals of European and African American ancestry in the NHLBI Exome Sequencing Project, indicating it is not a common benign variant in these populations. The F625L variant is a conservative amino acid substitution, which is not likely to impact secondary protein structure as these residues share similar properties. However, this substitution occurs at a position that is conserved across species and in silico analysis predicts this variant is probably damaging to the protein structure/function. We interpret F625L as a variant of uncertain significance.